The following is an entry in ClinVar:

NM_015909.4(NBAS):c.3970C>T (p.Gln1324Ter)

Gene: NBAS (NBAS subunit of NRZ tethering complex; minus strand). Cytogenetic location: 2p24.3.
Variant type: single nucleotide variant.
Coding change: c.3970C>T on transcript NM_015909.4 (MANE Select); coding-DNA position 3970, C replaced by T.
Protein change: p.Gln1324Ter; replaces glutamine 1324 with a stop codon.
Molecular consequence: nonsense. On other transcripts: non-coding transcript variant (1).
Genome position (GRCh38, 1-based): chr2:15,353,672, G>A on the plus strand (C>T on the coding strand, the complement: NBAS is on the minus strand). VCF-style: chr2-15353672-G-A. GRCh37 (hg19) VCF-style: chr2-15493796-G-A.
Other names: short protein forms Q1324*.
Identifiers: ClinVar variation 4081530 (VCV004081530.2).
Genomic context (GRCh38, chr2:15,353,672, plus strand): 5'-GTGTCAAAGCAAAAGCCATGAGCTCTTGACGAGTGGCCAAGTCCTGGTAACCTTCTGATT[G>A]TCCTAACTGGCTACAAACATCCCAACTTTTAGGATAACCTGCAAAATTGGCAAGGAAAAA-3'

ClinVar aggregate classification (germline): Pathogenic/Likely pathogenic. Review status: criteria provided, multiple submitters, no conflicts (2 of 4 stars). 2 submissions from 2 submitters: Pathogenic (1); Likely pathogenic (1). Last evaluated 2025-12-29.

Submissions (2):

Labcorp Genetics (formerly Invitae), Labcorp
Classification: Pathogenic. Last evaluated: 2025-12-29. Review status: criteria provided, single submitter. Criteria: Invitae Variant Classification Sherloc (09022015). Collection method: clinical testing. Allele origin: germline.
Comment: This sequence change creates a premature translational stop signal (p.Gln1324*) in the NBAS gene. It is expected to result in an absent or disrupted protein product. Loss-of-function variants in NBAS are known to be pathogenic (PMID: 26073778, 26541327, 27789416, 28031453). This variant is not present in population databases (gnomAD no frequency). This variant has not been reported in the literature in individuals affected with NBAS-related conditions. ClinVar contains an entry for this variant (Variation ID: 4081530). Algorithms developed to predict the effect of sequence changes on RNA splicing suggest that this variant may disrupt the consensus splice site. For these reasons, this variant has been classified as Pathogenic.

Revvity Omics, Revvity
Classification: Likely pathogenic. Last evaluated: 2025-04-21. Review status: criteria provided, single submitter. Criteria: ACMG Guidelines, 2015. Collection method: clinical testing. Allele origin: germline.

Literature cited by the submitters: PubMed 26073778 (cited by Labcorp Genetics (formerly Invitae), Labcorp); PubMed 26541327 (cited by Labcorp Genetics (formerly Invitae), Labcorp); PubMed 27789416 (cited by Labcorp Genetics (formerly Invitae), Labcorp); PubMed 28031453 (cited by Labcorp Genetics (formerly Invitae), Labcorp).